The following is an entry in ClinVar:

ClinVar aggregate classification (germline): Likely benign (1 of 4 stars; one submission).

Conditions:
Split hand-foot malformation 3. Also called: CHROMOSOME 10q24 DUPLICATION SYNDROME; SHSF3; Buttiens Fryns syndrome. Identifiers: Orphanet 1307, MedGen C1838652, MONDO:0009525, OMIM 246560.

Allele frequency attached by ClinVar (database versions not stated): TOPMed 0.00026; gnomAD 0.00040 and 0.00042; gnomAD exomes 0.00046; 1000 Genomes Project 0.00120; 1000 Genomes Project 30x 0.00125.
gnomAD v4.1: 293 of 588,914 alleles (0.05%); highest among the groups gnomAD compares: Admixed American, 0.18%; no homozygotes.

Submission:

Illumina Laboratory Services, Illumina
Classification: Likely benign for Split hand-foot malformation 3. Last evaluated: 2018-01-13. Review status: criteria provided, single submitter. Criteria: ICSL Variant Classification Criteria 13 December 2019. Collection method: clinical testing. Allele origin: germline.
Comment: This variant was observed in the ICSL laboratory as part of a predisposition screen in an ostensibly healthy population. It had not been previously curated by ICSL or reported in the Human Gene Mutation Database (HGMD: prior to June 1st, 2018), and was therefore a candidate for classification through an automated scoring system. Utilizing variant allele frequency, disease prevalence and penetrance estimates, and inheritance mode, an automated score was calculated to assess if this variant is too frequent to cause the disease. Based on the score and internal cut-off values, a variant classified as likely benign is not then subjected to further curation. The score for this variant resulted in a classification of likely benign for this disease.

NM_022039.4(FBXW4):c.*204G>A

Gene: FBXW4 (F-box and WD repeat domain containing 4; minus strand). Cytogenetic location: 10q24.32.
Variant type: single nucleotide variant.
Coding change: c.*204G>A on transcript NM_022039.4 (MANE Select); 204 bases downstream of the stop codon, G replaced by A.
Molecular consequence: 3 prime UTR variant. On other transcripts: non-coding transcript variant (1).
Genome position (GRCh38, 1-based): chr10:101,611,087, C>T on the plus strand (G>A on the coding strand, the complement: FBXW4 is on the minus strand). VCF-style: chr10-101611087-C-T. GRCh37 (hg19) VCF-style: chr10-103370844-C-T.
Other names: c.*204G>A (NM_001323541.2).
Identifiers: ClinVar variation 879144 (VCV000879144.4), dbSNP rs185181909, ClinGen allele CA213000792.